The following is an entry in ClinVar:

NM_015015.3(KDM4B):c.2142C>T (p.Ala714=)

Gene: KDM4B (lysine demethylase 4B; plus strand). Cytogenetic location: 19p13.3.
Variant type: single nucleotide variant.
Coding change: c.2142C>T on transcript NM_015015.3 (MANE Select); coding-DNA position 2142, C replaced by T.
Protein change: p.Ala714=; no amino-acid change (alanine 714 retained).
Molecular consequence: synonymous variant.
Genome position (GRCh38, 1-based): chr19:5,135,395, C>T. VCF-style: chr19-5135395-C-T. GRCh37 (hg19) VCF-style: chr19-5135406-C-T.
Other names: c.2244C>T, p.Ala748= (NM_001411148.1).
Identifiers: ClinVar variation 3904976 (VCV003904976.10).

ClinVar aggregate classification (germline): Likely benign (1 of 4 stars; one submission).

gnomAD v4.1: 329 of 1,613,500 alleles (0.02%); highest among the groups gnomAD compares: Non-Finnish European, 0.023%; no homozygotes.

Submission:

CeGaT Center for Human Genetics Tuebingen
Classification: Likely benign. Last evaluated: 2026-06-01. Review status: criteria provided, single submitter. Criteria: CeGaT Center For Human Genetics Tuebingen Variant Classification Criteria Version 2. Collection method: clinical testing. Allele origin: germline. Affected: yes. Observed: 3 variant alleles.
Comment: KDM4B: BP4, BP7